The following is an entry in ClinVar:

NM_004984.4(KIF5A):c.1124A>G (p.Asn375Ser)

Gene: KIF5A (kinesin family member 5A; plus strand). Cytogenetic location: 12q13.3.
Variant type: single nucleotide variant.
Coding change: c.1124A>G on transcript NM_004984.4 (MANE Select); coding-DNA position 1124, A replaced by G.
Protein change: p.Asn375Ser; replaces asparagine 375 with serine.
Molecular consequence: missense variant.
Genome position (GRCh38, 1-based): chr12:57,569,993, A>G. VCF-style: chr12-57569993-A-G. GRCh37 (hg19) VCF-style: chr12-57963776-A-G.
Other names: c.857A>G, p.Asn286Ser (NM_001354705.2); short protein forms N286S, N375S.
Identifiers: ClinVar variation 3001304 (VCV003001304.3), dbSNP rs2540501375, ClinGen allele CA385503519.

ClinVar aggregate classification (germline): Uncertain significance (1 of 4 stars; one submission).

Conditions:
Spastic paraplegia. Identifiers: MedGen C0037772, HP:0001258.

Submission:

Labcorp Genetics (formerly Invitae), Labcorp
Classification: Uncertain significance for Spastic paraplegia. Last evaluated: 2023-09-05. Review status: criteria provided, single submitter. Criteria: Invitae Variant Classification Sherloc (09022015). Collection method: clinical testing. Allele origin: germline.
Comment: This variant is not present in population databases (gnomAD no frequency). This sequence change replaces asparagine, which is neutral and polar, with serine, which is neutral and polar, at codon 375 of the KIF5A protein (p.Asn375Ser). This variant has not been reported in the literature in individuals affected with KIF5A-related conditions. In summary, the available evidence is currently insufficient to determine the role of this variant in disease. Therefore, it has been classified as a Variant of Uncertain Significance. Advanced modeling of protein sequence and biophysical properties (such as structural, functional, and spatial information, amino acid conservation, physicochemical variation, residue mobility, and thermodynamic stability) performed at Invitae indicates that this missense variant is not expected to disrupt KIF5A protein function.